The following is an entry in ClinVar:

ClinVar aggregate classification (germline): Uncertain significance (1 of 4 stars; one submission).

Conditions:
Catecholaminergic polymorphic ventricular tachycardia 1. Also called: RYR2-Related Catecholaminergic Polymorphic Ventricular Tachycardia; VENTRICULAR TACHYCARDIA, CATECHOLAMINERGIC POLYMORPHIC, 1, WITH OR WITHOUT ATRIAL DYSFUNCTION AND/OR DILATED CARDIOMYOPATHY; VENTRICULAR TACHYCARDIA, STRESS-INDUCED POLYMORPHIC 1. Identifiers: Orphanet 3286, MedGen C1631597, MONDO:0011484, OMIM 604772.

Submission:

Labcorp Genetics (formerly Invitae), Labcorp
Classification: Uncertain significance for Catecholaminergic polymorphic ventricular tachycardia 1. Last evaluated: 2022-07-01. Review status: criteria provided, single submitter. Criteria: Invitae Variant Classification Sherloc (09022015). Collection method: clinical testing. Allele origin: germline.
Comment: In summary, the available evidence is currently insufficient to determine the role of this variant in disease. Therefore, it has been classified as a Variant of Uncertain Significance. Advanced modeling of protein sequence and biophysical properties (such as structural, functional, and spatial information, amino acid conservation, physicochemical variation, residue mobility, and thermodynamic stability) performed at Invitae indicates that this missense variant is expected to disrupt RYR2 protein function. This variant has not been reported in the literature in individuals affected with RYR2-related conditions. This variant is not present in population databases (gnomAD no frequency). This sequence change replaces serine, which is neutral and polar, with arginine, which is basic and polar, at codon 3672 of the RYR2 protein (p.Ser3672Arg).

NM_001035.3(RYR2):c.11014A>C (p.Ser3672Arg)

Gene: RYR2 (ryanodine receptor 2; plus strand). Cytogenetic location: 1q43.
Variant type: single nucleotide variant.
Coding change: c.11014A>C on transcript NM_001035.3 (MANE Select); coding-DNA position 11014, A replaced by C.
Protein change: p.Ser3672Arg; replaces serine 3672 with arginine.
Molecular consequence: missense variant.
Genome position (GRCh38, 1-based): chr1:237,732,124, A>C. VCF-style: chr1-237732124-A-C. GRCh37 (hg19) VCF-style: chr1-237895424-A-C.
Other names: short protein forms S3672R.
Identifiers: ClinVar variation 2012970 (VCV002012970.4), dbSNP rs2527070667, ClinGen allele CA064787.